The following is an entry in ClinVar:

ClinVar aggregate classification (germline): Benign (1 of 4 stars; one submission).

Conditions:
Hermansky-Pudlak syndrome 1 (HPS1). Also called: DELTA STORAGE POOL DISEASE. Identifiers: Orphanet 231500, Orphanet 79430, MedGen C2931875, MONDO:0008748, OMIM 203300.

Allele frequency attached by ClinVar (database versions not stated): gnomAD 0.00195 and 0.00268; TOPMed 0.00301; 1000 Genomes Project 30x 0.01546; 1000 Genomes Project 0.01617.

Submission:

Illumina Laboratory Services, Illumina
Classification: Benign for Hermansky-Pudlak syndrome 1. Last evaluated: 2018-01-13. Review status: criteria provided, single submitter. Criteria: ICSL Variant Classification Criteria 13 December 2019. Collection method: clinical testing. Allele origin: germline.
Comment: This variant was observed in the ICSL laboratory as part of a predisposition screen in an ostensibly healthy population. It had not been previously curated by ICSL or reported in the Human Gene Mutation Database (HGMD: prior to June 1st, 2018), and was therefore a candidate for classification through an automated scoring system. Utilizing variant allele frequency, disease prevalence and penetrance estimates, and inheritance mode, an automated score was calculated to assess if this variant is too frequent to cause the disease. Based on the score and internal cut-off values, a variant classified as benign is not then subjected to further curation. The score for this variant resulted in a classification of benign for this disease.

NM_000195.5(HPS1):c.*1326C>A

Gene: HPS1 (HPS1 biogenesis of lysosomal organelles complex 3 subunit 1; minus strand). Cytogenetic location: 10q24.2.
Variant type: single nucleotide variant.
Coding change: c.*1326C>A on transcript NM_000195.5 (MANE Select); 1326 bases downstream of the stop codon, C replaced by A.
Molecular consequence: 3 prime UTR variant.
Genome position (GRCh38, 1-based): chr10:98,416,238, G>T on the plus strand (C>A on the coding strand, the complement: HPS1 is on the minus strand). VCF-style: chr10-98416238-G-T. GRCh37 (hg19) VCF-style: chr10-100175995-G-T.
Other names: c.*1326C>A (NM_001311345.2, NM_001322476.2, NM_001322477.2 and 10 more transcripts).
Identifiers: ClinVar variation 298305 (VCV000298305.5), dbSNP rs146022441, ClinGen allele CA10637092.